The following is an entry in ClinVar:

NM_001009944.3(PKD1):c.11388del (p.Tyr3797fs)

Genes: PKD1 (polycystin 1, transient receptor potential channel interacting; minus strand), PKD1-AS1 (PKD1 antisense RNA 1; plus strand). Cytogenetic location: 16p13.3.
Variant type: Deletion.
Coding change: c.11388del on transcript NM_001009944.3 (MANE Select); coding-DNA position 11388, one base deleted (C; older notation c.11388delC).
Protein change: p.Tyr3797fs; shifts the reading frame from tyrosine 3797.
Molecular consequence: frameshift variant.
Genome position (GRCh38, 1-based): chr16:2,092,070, G deleted on the plus strand (C on the coding strand, the reverse complement: PKD1 is on the minus strand); the first of 2 consecutive G bases (chr16:2,092,070-2,092,071); deleting either gives the same sequence. VCF-style (leftmost placement, unchanged base first): chr16-2092069-AG-A. GRCh37 (hg19) VCF-style: chr16-2142070-AG-A.
Other names: c.11385del, p.Tyr3796fs (NM_000296.4); short protein forms Y3796fs, Y3797fs.
Identifiers: ClinVar variation 997178 (VCV000997178.1), dbSNP rs2091615030, ClinGen allele CA2202019233.

ClinVar aggregate classification (germline): Pathogenic (0 of 4 stars; one submission).

Conditions:
Polycystic kidney disease. Also called: Polycystic kidney dysplasia; Kidney, Polycystic. Identifiers: MedGen C0022680, MeSH D007690, MONDO:0020642, HP:0000113.

Submission:

Department of Pathology and Laboratory Medicine, Sinai Health System
Classification: Pathogenic for Polycystic Kidney disease. Review status: no assertion criteria provided. Collection method: clinical testing. Allele origin: unknown. Affected: yes. Study: The Canadian Open Genetics Repository (COGR).
Comment: The PKD1 p.Tyr3797IlefsX29 variant was not identified in the literature nor was it identified in the dbSNP, ClinVar, Genesight-COGR, LOVD 3.0, ADPKD Mutation, and PKD1-LOVD, databases. The variant was not identified in the 1000 Genomes Project, the NHLBI GO Exome Sequencing Project or the Exome Aggregation Consortium (August 8th 2016) control databases. The c.11388delC variant is predicted to cause a frameshift, which alters the protein amino acid sequence beginning at codon 3797 and leads to a premature stop codon 29 codons downstream. This alteration is then predicted to result in a truncated or absent protein and loss of function. Loss of function variants of the PKD1 gene are an established mechanism of disease in autosomal dominant polycystic kidney disease and is the type of variant expected to cause the disorder. In summary, based on the above information, this variant meets our laboratoryâ€šÃ„Ã´s criteria to be classified as pathogenic.